The following is an entry in ClinVar:

ClinVar aggregate classification (germline): Pathogenic (1 of 4 stars; one submission).

Submission:

Labcorp Genetics (formerly Invitae), Labcorp
Classification: Pathogenic. Last evaluated: 2022-07-25. Review status: criteria provided, single submitter. Criteria: Invitae Variant Classification Sherloc (09022015). Collection method: clinical testing. Allele origin: germline.
Comment: This variant is a gross deletion of the genomic region encompassing exon(s) 1 of the COL4A5 gene, which includes the initiator codon. This deletion extends beyond the assayed region for this gene and therefore may encompass additional genes. It is expected to result in an absent or disrupted protein product. Loss-of-function variants in COL4A5 are known to be pathogenic (PMID: 9195222, 10752524, 14514738, 24854265, 26809805). A similar copy number variant has been observed in individual(s) with X-linked Alport syndrome (PMID: 8599366). For these reasons, this variant has been classified as Pathogenic.

Literature cited by the submitters: PubMed 9195222; PubMed 10752524; PubMed 14514738; PubMed 24854265; PubMed 26809805; PubMed 8599366.

NC_000023.10:g.(?_107681152)_(107683456_?)del

Genes: COL4A5 (collagen type IV alpha 5 chain; plus strand), COL4A6 (collagen type IV alpha 6 chain; minus strand). Cytogenetic location: Xq22.3.
Variant type: Deletion.
Identifiers: ClinVar variation 2423164 (VCV002423164.3).